The following is an entry in ClinVar:

NM_001165963.4(SCN1A):c.382T>G (p.Ser128Ala)

Gene: SCN1A (sodium voltage-gated channel alpha subunit 1; minus strand). Cytogenetic location: 2q24.3.
Variant type: single nucleotide variant.
Coding change: c.382T>G on transcript NM_001165963.4 (MANE Select); coding-DNA position 382, T replaced by G.
Protein change: p.Ser128Ala; replaces serine 128 with alanine.
Molecular consequence: missense variant. On other transcripts: 5 prime UTR variant (1), non-coding transcript variant (1).
Genome position (GRCh38, 1-based): chr2:166,058,571, A>C on the plus strand (T>G on the coding strand, the complement: SCN1A is on the minus strand). VCF-style: chr2-166058571-A-C. GRCh37 (hg19) VCF-style: chr2-166915081-A-C.
Other names: c.382T>G, p.Ser128Ala (NM_001165964.3, NM_001202435.3, NM_001353948.2 and 10 more transcripts); c.-2044T>G (NM_001353961.2); short protein forms S128A.
Identifiers: ClinVar variation 2580482 (VCV002580482.2), dbSNP rs2468271487, ClinGen allele CA349076725.

ClinVar aggregate classification (germline): Uncertain significance (1 of 4 stars; one submission).

Submission:

GeneDx
Classification: Uncertain significance. Last evaluated: 2025-06-26. Review status: criteria provided, single submitter. Criteria: GeneDx Variant Classification Process June 2021. Collection method: clinical testing. Allele origin: germline.
Comment: Not observed at significant frequency in large population cohorts (gnomAD); This substitution is predicted to be within the N-terminal cytoplasmic domain.; In silico analysis suggests that this missense variant does not alter protein structure/function; Has not been previously published as pathogenic or benign to our knowledge